The following is an entry in ClinVar:

NM_001374353.1(GLI2):c.2783C>T (p.Thr928Ile)

Gene: GLI2 (GLI family zinc finger 2; plus strand). Cytogenetic location: 2q14.2.
Variant type: single nucleotide variant.
Coding change: c.2783C>T on transcript NM_001374353.1 (MANE Select); coding-DNA position 2783, C replaced by T.
Protein change: p.Thr928Ile; replaces threonine 928 with isoleucine.
Molecular consequence: missense variant.
Genome position (GRCh38, 1-based): chr2:120,988,748, C>T. VCF-style: chr2-120988748-C-T. GRCh37 (hg19) VCF-style: chr2-121746324-C-T.
Other names: c.2834C>T, p.Thr945Ile (NM_001371271.1, NM_005270.5); c.2408C>T, p.Thr803Ile (NM_001374354.1); short protein forms T945I, T803I, T928I.
Identifiers: ClinVar variation 1381880 (VCV001381880.6), dbSNP rs1004685361, ClinGen allele CA348169529.
Genomic context (GRCh38, chr2:120,988,748, plus strand): 5'-GCACGCTGCCCGCCGGCTGCCCACGCCCACTGGGGCCGCGGCGTGGCAGCGACGGGCCGA[C>T]CTATGGCCACGGCCACGCGGGGGCTGCGCCCGCCTTCCCCCACGAGGCTCCAGGCGGCGG-3'
Protein context (NP_001361282.1, residues 918-938): LGPRRGSDGP[Thr928Ile]YGHGHAGAAP

ClinVar aggregate classification (germline): Uncertain significance (1 of 4 stars; one submission).

Conditions:
Holoprosencephaly 9 (HPE9). Also called: PITUITARY ANOMALIES WITH HOLOPROSENCEPHALY-LIKE FEATURES; HOLOPROSENCEPHALY WITH MICROPHTHALMIA AND FIRST BRANCHIAL ARCH ANOMALIES. Identifiers: Orphanet 2162, MedGen C1835819, MONDO:0012563, OMIM 610829.
Postaxial polydactyly-anterior pituitary anomalies-facial dysmorphism syndrome. Also called: Culler-Jones syndrome. Identifiers: Orphanet 420584, MedGen C4014479, MONDO:0014369, OMIM 615849.

Allele frequency attached by ClinVar (database versions not stated): gnomAD 0.00001; gnomAD exomes 0.00023.
gnomAD v4.1: 8 of 1,229,152 alleles (0.00065%); highest among the groups gnomAD compares: Non-Finnish European, 0.00081%; no homozygotes.

Submission:

Labcorp Genetics (formerly Invitae), Labcorp
Classification: Uncertain significance for Postaxial polydactyly-anterior pituitary anomalies-facial dysmorphism syndrome; Holoprosencephaly 9. Last evaluated: 2022-03-02. Review status: criteria provided, single submitter. Criteria: Invitae Variant Classification Sherloc (09022015). Collection method: clinical testing. Allele origin: germline.
Comment: In summary, the available evidence is currently insufficient to determine the role of this variant in disease. Therefore, it has been classified as a Variant of Uncertain Significance. Algorithms developed to predict the effect of missense changes on protein structure and function are either unavailable or do not agree on the potential impact of this missense change (SIFT: "Deleterious"; PolyPhen-2: "Benign"; Align-GVGD: "Class C0"). This variant has not been reported in the literature in individuals affected with GLI2-related conditions. This variant is present in population databases (no rsID available, gnomAD 0.04%). This sequence change replaces threonine, which is neutral and polar, with isoleucine, which is neutral and non-polar, at codon 945 of the GLI2 protein (p.Thr945Ile).